The following is an entry in ClinVar:

NM_000051.4(ATM):c.7591dup (p.Met2531fs)

Genes: ATM (ATM serine/threonine kinase; plus strand), C11orf65 (chromosome 11 open reading frame 65; minus strand). Cytogenetic location: 11q22.3.
Variant type: Duplication.
Coding change: c.7591dup on transcript NM_000051.4 (MANE Select); coding-DNA position 7591, one base duplicated (A; older notation c.7591dupA).
Protein change: p.Met2531fs; shifts the reading frame from methionine 2531.
Molecular consequence: frameshift variant. On other transcripts: non-coding transcript variant (1), intron variant (2).
Genome position (GRCh38, 1-based): chr11:108,331,519, A duplicated. VCF-style (leftmost placement, unchanged base first): chr11-108331518-G-GA. GRCh37 (hg19) VCF-style: chr11-108202245-G-GA.
Other names: c.7591dup, p.Met2531fs (NM_001351834.2); c.641-22448dup (NM_001330368.2); c.*38+3701dup (NM_001351110.2); short protein forms M2531fs.
Identifiers: ClinVar variation 3026739 (VCV003026739.20), dbSNP rs2547275053, ClinGen allele CA2740093211.

ClinVar aggregate classification (germline): Pathogenic (1 of 4 stars; one submission).

Submission:

CeGaT Center for Human Genetics Tuebingen
Classification: Pathogenic. Last evaluated: 2023-12-01. Review status: criteria provided, single submitter. Criteria: CeGaT Center For Human Genetics Tuebingen Variant Classification Criteria Version 2. Collection method: clinical testing. Allele origin: germline. Affected: yes. Observed: 1 variant allele.
Comment: ATM: PVS1, PM2